The following is an entry in ClinVar:

ClinVar aggregate classification (germline): Uncertain significance. Review status: criteria provided, multiple submitters, no conflicts (2 of 4 stars). 3 submissions from 3 submitters: Uncertain significance (2). 1 of the submissions does not count toward it. Last evaluated 2025-08-11.

Conditions:
Hereditary cancer-predisposing syndrome. Also called: Neoplastic Syndromes, Hereditary; Tumor predisposition; Hereditary neoplastic syndrome; Hereditary Cancer Syndrome. Identifiers: Orphanet 140162, MedGen C0027672, MeSH D009386, MONDO:0015356.
Bloom syndrome (BLM). Also called: Bloom-Torre-Machacek syndrome. Identifiers: Orphanet 125, MedGen C0005859, MONDO:0008876, OMIM 210900.

Allele frequency attached by ClinVar (database versions not stated): gnomAD 0.00001; TOPMed 0.00001; gnomAD exomes 0.00004.
gnomAD v4.1: 55 of 1,613,798 alleles (0.0034%); highest among the groups gnomAD compares: Non-Finnish European, 0.0045%; no homozygotes.

Submissions (3):

Labcorp Genetics (formerly Invitae), Labcorp
Classification: Uncertain significance for Bloom syndrome. Last evaluated: 2025-08-11. Review status: criteria provided, single submitter. Criteria: Invitae Variant Classification Sherloc (09022015). Collection method: clinical testing. Allele origin: germline.
Comment: This sequence change replaces glycine, which is neutral and non-polar, with glutamic acid, which is acidic and polar, at codon 1359 of the BLM protein (p.Gly1359Glu). This variant also falls at the last nucleotide of exon 21, which is part of the consensus splice site for this exon. This variant is not present in population databases (gnomAD no frequency). This variant has not been reported in the literature in individuals affected with BLM-related conditions. ClinVar contains an entry for this variant (Variation ID: 641919). An algorithm developed to predict the effect of missense changes on protein structure and function (PolyPhen-2) suggests that this variant is likely to be disruptive. Variants that disrupt the consensus splice site are a relatively common cause of aberrant splicing (PMID: 17576681, 9536098). RNA analysis performed to evaluate the impact of this missense change on mRNA splicing indicates it does not significantly alter splicing (internal data). In summary, the available evidence is currently insufficient to determine the role of this variant in disease. Therefore, it has been classified as a Variant of Uncertain Significance.

Ambry Genetics
Classification: Uncertain significance for Hereditary cancer-predisposing syndrome. Last evaluated: 2024-10-25. Review status: criteria provided, single submitter. Criteria: Ambry Variant Classification Scheme 2023. Collection method: clinical testing. Allele origin: germline.
Comment: The c.4076G>A variant (also known as p.G1359E), located in coding exon 20 of the BLM gene, results from a G to A substitution at nucleotide position 4076. The amino acid change results in glycine to glutamic acid at codon 1359, an amino acid with similar properties. However, this change occurs in the last base pair of coding exon 20, which makes it likely to have some effect on normal mRNA splicing. In silico splice site analysis predicts that this alteration may weaken the native splice donor site; however, internal RNA studies did not detect abnormal splicing in the set of samples tested (Ambry internal data). This nucleotide position is highly conserved in available vertebrate species. Since supporting evidence is limited at this time, the clinical significance of this alteration remains unclear.

Natera, Inc.
Classification: Uncertain significance for Bloom syndrome. Last evaluated: 2018-11-11. Review status: no assertion criteria provided. Collection method: clinical testing. Allele origin: germline. Not counted in ClinVar's aggregate classification.

Literature cited by the submitters: PubMed 17576681 (cited by Labcorp Genetics (formerly Invitae), Labcorp); PubMed 9536098 (cited by Labcorp Genetics (formerly Invitae), Labcorp).

NM_000057.4(BLM):c.4076G>A (p.Gly1359Glu)

Gene: BLM (BLM RecQ like helicase; plus strand). Cytogenetic location: 15q26.1.
Variant type: single nucleotide variant.
Coding change: c.4076G>A on transcript NM_000057.4 (MANE Select); coding-DNA position 4076, G replaced by A.
Protein change: p.Gly1359Glu; replaces glycine 1359 with glutamic acid.
Molecular consequence: missense variant.
Genome position (GRCh38, 1-based): chr15:90,811,406, G>A. VCF-style: chr15-90811406-G-A. GRCh37 (hg19) VCF-style: chr15-91354636-G-A.
Other names: c.4076G>A (NM_000057.2); c.4076G>A, p.Gly1359Glu (NM_001287246.2); c.3683G>A, p.Gly1228Glu (NM_001287247.2); c.2951G>A, p.Gly984Glu (NM_001287248.2); short protein forms G1359E, G1228E, G984E.
Identifiers: ClinVar variation 641919 (VCV000641919.14), dbSNP rs1308799871, ClinGen allele CA393851600.